The following is an entry in ClinVar:

ClinVar aggregate classification (germline): Benign/Likely benign. Review status: criteria provided, multiple submitters, no conflicts (2 of 4 stars). 8 submissions from 7 submitters: Benign (4); Likely benign (4). Last evaluated 2026-02-01.

Conditions:
Schwartz-Jampel syndrome. Also called: Myotonic myopathy dwarfism chondrodystrophy and ocular and facial abnormalities. Identifiers: Orphanet 800, MedGen C0036391, MONDO:0009717.
Connective tissue disorder. Also called: Connective tissue disease. Identifiers: MedGen C0009782, MONDO:0003900.
Lethal Kniest-like syndrome (DDSH). Also called: Dyssegmental Dysplasia. Identifiers: Orphanet 1865, MedGen C1857100, MONDO:0009140, OMIM 224410.

Allele frequency attached by ClinVar (database versions not stated): 1000 Genomes Project 30x 0.04169; 1000 Genomes Project 0.04373; TOPMed 0.04676; gnomAD 0.04950 and 0.04953; ESP Exome Variant Server 0.05336; gnomAD exomes 0.05859 and 0.06157; ExAC 0.09757.
gnomAD v4.1: 94,257 of 1,561,834 alleles (6%); highest among the groups gnomAD compares: South Asian, 9.6%; 3,109 homozygotes.

Submissions (8):

Labcorp Genetics (formerly Invitae), Labcorp
Classification: Benign. Last evaluated: 2026-02-01. Review status: criteria provided, single submitter. Criteria: Invitae Variant Classification Sherloc (09022015). Collection method: clinical testing. Allele origin: germline.

ARUP Laboratories, Molecular Genetics and Genomics, ARUP Laboratories
Classification: Benign. Last evaluated: 2025-06-26. Review status: criteria provided, single submitter. Criteria: ARUP Molecular Germline Variant Investigation Process 2024. Collection method: clinical testing. Allele origin: germline.

Blueprint Genetics
Classification: Likely benign. Last evaluated: 2024-11-26. Review status: criteria provided, single submitter. Criteria: ACMG Guidelines, 2015. Collection method: clinical testing. Allele origin: germline.

Genome Diagnostics Laboratory, The Hospital for Sick Children
Classification: Benign for Connective tissue disorder. Last evaluated: 2022-07-18. Review status: criteria provided, single submitter. Criteria: ACMG Guidelines, 2015. Collection method: clinical testing. Allele origin: germline.

GeneDx
Classification: Benign. Last evaluated: 2018-08-30. Review status: criteria provided, single submitter. Criteria: GeneDx Variant Classification Process June 2021. Collection method: clinical testing. Allele origin: germline. Affected: yes.
Comment: This variant is associated with the following publications: (PMID: 27884173, 11279527)

Illumina Laboratory Services, Illumina
Classification: Likely benign for Schwartz-Jampel syndrome type 1. Last evaluated: 2017-04-27. Review status: criteria provided, single submitter. Criteria: ICSL Variant Classification Criteria 13 December 2019. Collection method: clinical testing. Allele origin: germline.
Comment: This variant was observed as part of a predisposition screen in an ostensibly healthy population. A literature search was performed for the gene, cDNA change, and amino acid change (where applicable). No publications were found based on this search. Allele frequency data from public databases allowed determination this variant is unlikely to cause disease. Therefore, this variant is classified as likely benign.

Illumina Laboratory Services, Illumina
Classification: Likely benign for Lethal Kniest-like syndrome. Last evaluated: 2017-04-27. Review status: criteria provided, single submitter. Criteria: ICSL Variant Classification Criteria 13 December 2019. Collection method: clinical testing. Allele origin: germline.
Comment: the same text as in the submission from Illumina Laboratory Services, Illumina above.

Breakthrough Genomics
Classification: Likely benign. Review status: criteria provided, single submitter. Criteria: ACMG Guidelines, 2015. Collection method: not provided. Allele origin: germline. Inheritance: Autosomal recessive inheritance. Affected: yes.

NM_005529.7(HSPG2):c.10248C>T (p.Ser3416=)

Gene: HSPG2 (heparan sulfate proteoglycan 2; minus strand). Cytogenetic location: 1p36.12.
Variant type: single nucleotide variant.
Coding change: c.10248C>T on transcript NM_005529.7 (MANE Select); coding-DNA position 10248, C replaced by T.
Protein change: p.Ser3416=; no amino-acid change (serine 3416 retained).
Molecular consequence: synonymous variant.
Genome position (GRCh38, 1-based): chr1:21,836,909, G>A on the plus strand (C>T on the coding strand, the complement: HSPG2 is on the minus strand). VCF-style: chr1-21836909-G-A. GRCh37 (hg19) VCF-style: chr1-22163402-G-A.
Other names: c.10251C>T, p.Ser3417= (NM_001291860.2).
Identifiers: ClinVar variation 295743 (VCV000295743.34), dbSNP rs41310390, ClinGen allele CA670186.
Genomic context (GRCh38, chr1:21,836,909, plus strand): 5'-TTCCTTGAACCAACGGAGCTGGGTACCCCGGTCGCTGGGCACAGCACAGTGGAACTCAAC[G>A]CTGGCCCCAATGCTCTTGGTCTCTAGCTGAGGCGTGACCTGCACGGTGGGCGTGGACCCT-3'
Protein context (NP_005520.4, residues 3406-3426): PQLETKSIGA[Ser3416=]VEFHCAVPSD